The following is an entry in ClinVar:

ClinVar aggregate classification (germline): Uncertain significance (0 of 4 stars; one submission).

Conditions:
GCM2-related disorder. Also called: GCM2-related condition.

Submission:

PreventionGenetics, part of Exact Sciences
Classification: Uncertain significance for GCM2-related condition. Last evaluated: 2024-09-07. Review status: no assertion criteria provided. Collection method: clinical testing. Allele origin: germline.
Comment: The GCM2 c.713C>G variant is predicted to result in the amino acid substitution p.Ser238Cys. To our knowledge, this variant has not been reported in the literature or in a large population database, indicating this variant is rare. At this time, the clinical significance of this variant is uncertain due to the absence of conclusive functional and genetic evidence.

NM_004752.4(GCM2):c.713C>G (p.Ser238Cys)

Gene: GCM2 (glial cells missing transcription factor 2; minus strand). Cytogenetic location: 6p24.2.
Variant type: single nucleotide variant.
Coding change: c.713C>G on transcript NM_004752.4 (MANE Select); coding-DNA position 713, C replaced by G.
Protein change: p.Ser238Cys; replaces serine 238 with cysteine.
Molecular consequence: missense variant.
Genome position (GRCh38, 1-based): chr6:10,874,803, G>C on the plus strand (C>G on the coding strand, the complement: GCM2 is on the minus strand). VCF-style: chr6-10874803-G-C. GRCh37 (hg19) VCF-style: chr6-10875036-G-C.
Other names: short protein forms S238C.
Identifiers: ClinVar variation 3353242 (VCV003353242.1).